The following is an entry in ClinVar:

NM_002570.5(PCSK6):c.1508T>C (p.Val503Ala)

Gene: PCSK6 (proprotein convertase subtilisin/kexin type 6; minus strand). Cytogenetic location: 15q26.3.
Variant type: single nucleotide variant.
Coding change: c.1508T>C on transcript NM_002570.5 (MANE Select); coding-DNA position 1508, T replaced by C.
Protein change: p.Val503Ala; replaces valine 503 with alanine.
Molecular consequence: missense variant. On other transcripts: intron variant (1).
Genome position (GRCh38, 1-based): chr15:101,382,116, A>G on the plus strand (T>C on the coding strand, the complement: PCSK6 is on the minus strand). VCF-style: chr15-101382116-A-G. GRCh37 (hg19) VCF-style: chr15-101922321-A-G.
Other names: NM_002570.3:c.1506T>C; c.1508T>C, p.Val503Ala (NM_138319.4, NM_138323.3, NM_138324.3 and 1 more transcripts); c.1310+7348T>C (NM_001291309.2); short protein forms V503A.
Identifiers: ClinVar variation 403287 (VCV000403287.4), dbSNP rs1060499889, ClinGen allele CA16609796.

ClinVar aggregate classification (germline): Benign (1 of 4 stars; one submission).

Submission:

Laboratory for Molecular Medicine, Mass General Brigham Personalized Medicine
Classification: Benign. Last evaluated: 2016-03-28. Review status: criteria provided, single submitter. Criteria: LMM Criteria. Collection method: clinical testing. Allele origin: germline.
Comment: Variant identified in a genome or exome case(s) and assessed due to predicted null impact of the variant or pathogenic assertions in the literature or databases. Disclaimer: This variant has not undergone full assessment. The following are preliminary notes: Frequency